The following is an entry in ClinVar:

NM_031220.4(PITPNM3):c.1550G>T (p.Arg517Met)

Gene: PITPNM3 (PITPNM family member 3; minus strand). Cytogenetic location: 17p13.2.
Variant type: single nucleotide variant.
Coding change: c.1550G>T on transcript NM_031220.4 (MANE Select); coding-DNA position 1550, G replaced by T.
Protein change: p.Arg517Met; replaces arginine 517 with methionine.
Molecular consequence: missense variant.
Genome position (GRCh38, 1-based): chr17:6,471,235, C>A on the plus strand (G>T on the coding strand, the complement: PITPNM3 is on the minus strand). VCF-style: chr17-6471235-C-A. GRCh37 (hg19) VCF-style: chr17-6374555-C-A.
Other names: c.1442G>T, p.Arg481Met (NM_001165966.2); short protein forms R481M, R517M.
Identifiers: ClinVar variation 3619307 (VCV003619307.3).
Genomic context (GRCh38, chr17:6,471,235, plus strand): 5'-ACGGGTGCCATGCTGTCCGAGGACTCCGAGCTCTCGCTGTGGGAGCTCCCCTCGCTCATC[C>A]TCCGTCCTGGGCGCTGGAACCTCGAGGCCTGAGGGGGCGAGGCAGGGGCATCCAGAAGTG-3'
Protein context (NP_112497.2, residues 507-527): QASRFQRPGR[Arg517Met]MSEGSSHSES

ClinVar aggregate classification (germline): Uncertain significance. Review status: criteria provided, multiple submitters, no conflicts (2 of 4 stars). 2 submissions from 2 submitters: Uncertain significance (2). Last evaluated 2024-03-02.

Submissions (2):

Labcorp Genetics (formerly Invitae), Labcorp
Classification: Uncertain significance. Last evaluated: 2024-03-02. Review status: criteria provided, single submitter. Criteria: Invitae Variant Classification Sherloc (09022015). Collection method: clinical testing. Allele origin: germline.
Comment: This sequence change replaces arginine, which is basic and polar, with methionine, which is neutral and non-polar, at codon 517 of the PITPNM3 protein (p.Arg517Met). This variant is not present in population databases (gnomAD no frequency). This variant has not been reported in the literature in individuals affected with PITPNM3-related conditions. Advanced modeling of protein sequence and biophysical properties (such as structural, functional, and spatial information, amino acid conservation, physicochemical variation, residue mobility, and thermodynamic stability) performed at Invitae indicates that this missense variant is not expected to disrupt PITPNM3 protein function with a negative predictive value of 80%. In summary, the available evidence is currently insufficient to determine the role of this variant in disease. Therefore, it has been classified as a Variant of Uncertain Significance.

Blueprint Genetics
Classification: Uncertain significance. Last evaluated: 2021-07-02. Review status: criteria provided, single submitter. Criteria: ACMG Guidelines, 2015. Collection method: clinical testing. Allele origin: germline.